The following is an entry in ClinVar:

ClinVar aggregate classification (germline): Uncertain significance (1 of 4 stars; one submission).

Submission:

GeneDx
Classification: Uncertain significance. Last evaluated: 2023-12-04. Review status: criteria provided, single submitter. Criteria: GeneDx Variant Classification Process June 2021. Collection method: clinical testing. Allele origin: germline. Affected: yes.
Comment: Not observed at significant frequency in large population cohorts (gnomAD); Has not been previously published as pathogenic or benign to our knowledge; Frameshift variant predicted to result in protein truncation or nonsense mediated decay in a gene for which loss-of-function is not an established mechanism of disease

NM_002691.4(POLD1):c.623del (p.Pro208fs)

Gene: POLD1 (DNA polymerase delta 1, catalytic subunit; plus strand). Cytogenetic location: 19q13.33.
Variant type: Deletion.
Coding change: c.623del on transcript NM_002691.4 (MANE Select); coding-DNA position 623, one base deleted (C; older notation c.623delC).
Protein change: p.Pro208fs; shifts the reading frame from proline 208.
Molecular consequence: frameshift variant. On other transcripts: non-coding transcript variant (1).
Genome position (GRCh38, 1-based): chr19:50,402,238, C deleted; the last of 4 consecutive C bases (chr19:50,402,235-50,402,238); deleting any one gives the same sequence. VCF-style (leftmost placement, unchanged base first): chr19-50402234-TC-T. GRCh37 (hg19) VCF-style: chr19-50905491-TC-T.
Other names: c.623del, p.Pro208fs (NM_001256849.1, NM_001308632.1); short protein forms P208fs.
Identifiers: ClinVar variation 3365288 (VCV003365288.1).